The following is an entry in ClinVar:

NM_000147.5(FUCA1):c.1260+2T>A

Gene: FUCA1 (alpha-L-fucosidase 1; minus strand). Cytogenetic location: 1p36.11.
Variant type: single nucleotide variant.
Coding change: c.1260+2T>A on transcript NM_000147.5 (MANE Select); the canonical splice donor site of the intron after coding-DNA position 1260, T replaced by A.
Molecular consequence: splice donor variant.
Genome position (GRCh38, 1-based): chr1:23,846,072, A>T on the plus strand (T>A on the coding strand, the complement: FUCA1 is on the minus strand). VCF-style: chr1-23846072-A-T. GRCh37 (hg19) VCF-style: chr1-24172562-A-T.
Identifiers: ClinVar variation 2873243 (VCV002873243.3), dbSNP rs2521617594, ClinGen allele CA339034248.
Genomic context (GRCh38, chr1:23,846,072, plus strand): 5'-AGGAAGGATCTGCCAATTCCTTTACAGAAAGTTACATCTTAAGACTGACTAAGCCTCTTT[A>T]CCTTTGTAGTTGAGGTAGTTATGGGGGATTCAAGGTTTAAGACTCCATTTTCTGGCCAGT-3'

ClinVar aggregate classification (germline): Pathogenic (1 of 4 stars; one submission).

Conditions:
Fucosidosis. Also called: ALPHA-L-FUCOSIDASE DEFICIENCY. Identifiers: Orphanet 349, MedGen C0016788, MONDO:0009254, OMIM 230000.

Submission:

Labcorp Genetics (formerly Invitae), Labcorp
Classification: Pathogenic for Fucosidosis. Last evaluated: 2024-05-29. Review status: criteria provided, single submitter. Criteria: Invitae Variant Classification Sherloc (09022015). Collection method: clinical testing. Allele origin: germline.
Comment: This sequence change affects a donor splice site in intron 7 of the FUCA1 gene. While this variant is not anticipated to result in nonsense mediated decay, it likely alters RNA splicing and results in a disrupted protein product. This variant is not present in population databases (gnomAD no frequency). This variant has not been reported in the literature in individuals affected with FUCA1-related conditions. Variants that disrupt the consensus splice site are a relatively common cause of aberrant splicing (PMID: 17576681, 9536098). Algorithms developed to predict the effect of sequence changes on RNA splicing suggest that this variant may disrupt the consensus splice site. This variant disrupts a region of the FUCA1 protein in which other variant(s) (p.Lys431Glnfs*27) have been determined to be pathogenic (PMID: 36082656). This suggests that this is a clinically significant region of the protein, and that variants that disrupt it are likely to be disease-causing. For these reasons, this variant has been classified as Pathogenic.

Literature cited by the submitters: PubMed 17576681; PubMed 9536098; PubMed 36082656.